The following is an entry in ClinVar:

NM_000535.7(PMS2):c.1833T>G (p.Ile611Met)

Gene: PMS2 (PMS1 homolog 2, mismatch repair system component; minus strand). Cytogenetic location: 7p22.1.
Variant type: single nucleotide variant.
Coding change: c.1833T>G on transcript NM_000535.7 (MANE Select); coding-DNA position 1833, T replaced by G.
Protein change: p.Ile611Met; replaces isoleucine 611 with methionine.
Molecular consequence: missense variant. On other transcripts: non-coding transcript variant (1).
Genome position (GRCh38, 1-based): chr7:5,986,932, A>C on the plus strand (T>G on the coding strand, the complement: PMS2 is on the minus strand). VCF-style: chr7-5986932-A-C. GRCh37 (hg19) VCF-style: chr7-6026563-A-C.
Other names: c.1428T>G, p.Ile476Met (NM_001322003.2, NM_001322004.2, NM_001322005.2 and 1 more transcripts); c.1677T>G, p.Ile559Met (NM_001322006.2); c.1515T>G, p.Ile505Met (NM_001322007.2, NM_001322008.2); c.1272T>G, p.Ile424Met (NM_001322010.2); c.900T>G, p.Ile300Met (NM_001322011.2, NM_001322012.2); c.1260T>G, p.Ile420Met (NM_001322013.2); c.1833T>G, p.Ile611Met (NM_001322014.2); c.1524T>G, p.Ile508Met (NM_001322015.2); short protein forms I611M, I476M, I508M, I559M, I300M, I505M, I420M, I424M.
Identifiers: ClinVar variation 455672 (VCV000455672.17), dbSNP rs1554297188, ClinGen allele CA366739673.

ClinVar aggregate classification (germline): Conflicting classifications of pathogenicity. Review status: criteria provided, conflicting classifications (1 of 4 stars). 3 submissions from 3 submitters: Uncertain significance (2); Likely benign (1). Last evaluated 2025-10-26.

Conditions:
Hereditary cancer-predisposing syndrome. Also called: Hereditary Cancer Syndrome; Hereditary neoplastic syndrome; Neoplastic Syndromes, Hereditary; Tumor predisposition. Identifiers: Orphanet 140162, MedGen C0027672, MeSH D009386, MONDO:0015356.
Hereditary nonpolyposis colorectal neoplasms. Identifiers: MedGen C0009405, MeSH D003123.

Submissions (3):

Labcorp Genetics (formerly Invitae), Labcorp
Classification: Uncertain significance for Hereditary nonpolyposis colorectal neoplasms. Last evaluated: 2025-10-26. Review status: criteria provided, single submitter. Criteria: Invitae Variant Classification Sherloc (09022015). Collection method: clinical testing. Allele origin: germline.
Comment: This sequence change replaces isoleucine, which is neutral and non-polar, with methionine, which is neutral and non-polar, at codon 611 of the PMS2 protein (p.Ile611Met). This variant is not present in population databases (gnomAD no frequency). This variant has not been reported in the literature in individuals affected with PMS2-related conditions. ClinVar contains an entry for this variant (Variation ID: 455672). Invitae Evidence Modeling incorporating data from in vitro experimental studies (internal data) indicates that this missense variant is not expected to disrupt PMS2 function with a negative predictive value of 95%. In summary, the available evidence is currently insufficient to determine the role of this variant in disease. Therefore, it has been classified as a Variant of Uncertain Significance.

Ambry Genetics
Classification: Likely benign for Hereditary cancer-predisposing syndrome. Last evaluated: 2025-03-22. Review status: criteria provided, single submitter. Criteria: Ambry Variant Classification Scheme 2023. Collection method: clinical testing. Allele origin: germline.

Color Diagnostics, LLC DBA Color Health
Classification: Uncertain significance for Hereditary cancer-predisposing syndrome. Last evaluated: 2024-03-06. Review status: criteria provided, single submitter. Criteria: ACMG Guidelines, 2015. Collection method: clinical testing. Allele origin: germline.
Comment: This missense variant replaces isoleucine with methionine at codon 611 of the PMS2 protein. Computational prediction suggests that this variant may not impact protein structure and function (internally defined REVEL score threshold <= 0.5, PMID: 27666373). To our knowledge, functional studies have not been reported for this variant. This variant has not been reported in individuals affected with hereditary cancer in the literature. This variant has not been identified in the general population by the Genome Aggregation Database (gnomAD). The available evidence is insufficient to determine the role of this variant in disease conclusively. Therefore, this variant is classified as a Variant of Uncertain Significance.